The following is an entry in ClinVar:

NM_002472.3(MYH8):c.304C>G (p.Pro102Ala)

Genes: MYH8 (myosin heavy chain 8; minus strand), MYHAS (myosin heavy chain gene cluster antisense RNA; plus strand). Cytogenetic location: 17p13.1.
Variant type: single nucleotide variant.
Coding change: c.304C>G on transcript NM_002472.3 (MANE Select); coding-DNA position 304, C replaced by G.
Protein change: p.Pro102Ala; replaces proline 102 with alanine.
Molecular consequence: missense variant.
Genome position (GRCh38, 1-based): chr17:10,418,937, G>C on the plus strand (C>G on the coding strand, the complement: MYH8 is on the minus strand). VCF-style: chr17-10418937-G-C. GRCh37 (hg19) VCF-style: chr17-10322254-G-C.
Other names: short protein forms P102A.
Identifiers: ClinVar variation 887681 (VCV000887681.6), dbSNP rs149941951, ClinGen allele CA8388421.

ClinVar aggregate classification (germline): Uncertain significance. Review status: criteria provided, single submitter (1 of 4 stars). 2 submissions from 2 submitters: Uncertain significance (1). 1 of the submissions does not count toward it. Last evaluated 2018-01-12.

Conditions:
MYH8-related disorder. Also called: MYH8-related condition.
Hecht syndrome (DA7). Also called: MOUTH, INABILITY TO OPEN COMPLETELY, AND SHORT FINGER-FLEXOR TENDONS; Dutch-Kentucky syndrome. Identifiers: Orphanet 3377, MedGen C0265226, MONDO:0008016, OMIM 158300. Disease mechanism: gain of function.

Allele frequency attached by ClinVar (database versions not stated): ESP Exome Variant Server 0.00008; TOPMed 0.00009; gnomAD 0.00013 and 0.00014.
gnomAD v4.1: 152 of 1,614,070 alleles (0.0094%); highest among the groups gnomAD compares: Middle Eastern, 0.016%; no homozygotes.

Submissions (2):

Illumina Laboratory Services, Illumina
Classification: Uncertain significance for Hecht syndrome. Last evaluated: 2018-01-12. Review status: criteria provided, single submitter. Criteria: ICSL Variant Classification Criteria 13 December 2019. Collection method: clinical testing. Allele origin: germline.

PreventionGenetics, part of Exact Sciences
Classification: Likely benign for MYH8-related condition. Last evaluated: 2022-06-20. Review status: no assertion criteria provided. Collection method: clinical testing. Allele origin: germline. Not counted in ClinVar's aggregate classification.
Comment: This variant is classified as likely benign based on ACMG/AMP sequence variant interpretation guidelines (Richards et al. 2015 PMID: 25741868, with internal and published modifications).